The following is an entry in ClinVar:

ClinVar aggregate classification (germline): Uncertain significance (1 of 4 stars; one submission).

Conditions:
Hereditary cancer-predisposing syndrome. Also called: Neoplastic Syndromes, Hereditary; Tumor predisposition; Hereditary neoplastic syndrome; Hereditary Cancer Syndrome. Identifiers: Orphanet 140162, MedGen C0027672, MeSH D009386, MONDO:0015356.

Submission:

Ambry Genetics
Classification: Uncertain significance for Hereditary cancer-predisposing syndrome. Last evaluated: 2026-09-10. Review status: criteria provided, single submitter. Criteria: Ambry Variant Classification Scheme 2023. Collection method: clinical testing. Allele origin: germline.
Comment: The p.R2566K variant (also known as c.7697G>A), located in coding exon 15 of the APC gene, results from a G to A substitution at nucleotide position 7697. The arginine at codon 2566 is replaced by lysine, an amino acid with highly similar properties. In addition, in silico predictors for this gene do not accurately predict pathogenicity. Missense variants in APC are not a common cause of disease (Spier I et al. Genet Med. 2024 Feb;26(2):100992). Based on the available evidence, the clinical significance of this variant remains unclear.

NM_000038.6(APC):c.7697G>A (p.Arg2566Lys)

Gene: APC (APC regulator of Wnt signaling pathway; plus strand). Cytogenetic location: 5q22.2.
Variant type: single nucleotide variant.
Coding change: c.7697G>A on transcript NM_000038.6 (MANE Select); coding-DNA position 7697, G replaced by A.
Protein change: p.Arg2566Lys; replaces arginine 2566 with lysine.
Molecular consequence: missense variant. On other transcripts: non-coding transcript variant (2).
Genome position (GRCh38, 1-based): chr5:112,843,291, G>A. VCF-style: chr5-112843291-G-A. GRCh37 (hg19) VCF-style: chr5-112178988-G-A.
Other names: c.7394G>A, p.Arg2465Lys (NM_001354903.2, NM_001407458.1, NM_001407459.1 and 1 more transcripts); c.7319G>A, p.Arg2440Lys (NM_001354904.2); c.7217G>A, p.Arg2406Lys (NM_001354905.2); c.6848G>A, p.Arg2283Lys (NM_001354906.2, NM_001407470.1); c.7781G>A, p.Arg2594Lys (NM_001407446.1); c.7751G>A, p.Arg2584Lys (NM_001407447.1, NM_001407448.1, NM_001407449.1 and 1 more transcripts); c.7697G>A, p.Arg2566Lys (NM_001407450.1, NM_001127510.3, NM_001354895.2); c.7676G>A, p.Arg2559Lys (NM_001407451.1); and 11 more; short protein forms R2182K, R2538K, R2584K, R2437K, R2465K, R2507K, R2559K, R2566K.
Identifiers: ClinVar variation 5026055 (VCV005026055.1).